The following is an entry in ClinVar:

NM_006231.4(POLE):c.4062C>A (p.Asp1354Glu)

Gene: POLE (DNA polymerase epsilon, catalytic subunit; minus strand). Cytogenetic location: 12q24.33.
Variant type: single nucleotide variant.
Coding change: c.4062C>A on transcript NM_006231.4 (MANE Select); coding-DNA position 4062, C replaced by A.
Protein change: p.Asp1354Glu; replaces aspartic acid 1354 with glutamic acid.
Molecular consequence: missense variant.
Genome position (GRCh38, 1-based): chr12:132,649,016, G>T on the plus strand (C>A on the coding strand, the complement: POLE is on the minus strand). VCF-style: chr12-132649016-G-T. GRCh37 (hg19) VCF-style: chr12-133225602-G-T.
Other names: p.Asp1354Glu; c.4062C>A (NM_006231.2); short protein forms D1354E.
Identifiers: ClinVar variation 540715 (VCV000540715.10), dbSNP rs762002242, ClinGen allele CA387383856.

ClinVar aggregate classification (germline): Uncertain significance. Review status: criteria provided, multiple submitters, no conflicts (2 of 4 stars). 3 submissions from 3 submitters: Uncertain significance (3). Last evaluated 2026-04-01.

Conditions:
Hereditary cancer-predisposing syndrome. Also called: Tumor predisposition; Hereditary neoplastic syndrome; Neoplastic Syndromes, Hereditary; Hereditary Cancer Syndrome. Identifiers: Orphanet 140162, MedGen C0027672, MeSH D009386, MONDO:0015356.

Allele frequency attached by ClinVar (database versions not stated): gnomAD 0.00001; TOPMed below 0.00001.
gnomAD v4.1: 1 of 1,613,788 alleles (0.000062%); highest among the groups gnomAD compares: Non-Finnish European, 0.000085%; no homozygotes.

Submissions (3):

Ambry Genetics
Classification: Uncertain significance for Hereditary cancer-predisposing syndrome. Last evaluated: 2026-04-01. Review status: criteria provided, single submitter. Criteria: Ambry Variant Classification Scheme 2023. Collection method: clinical testing. Allele origin: germline.
Comment: The p.D1354E variant (also known as c.4062C>A), located in coding exon 32 of the POLE gene, results from a C to A substitution at nucleotide position 4062. The aspartic acid at codon 1354 is replaced by glutamic acid, an amino acid with highly similar properties. This amino acid position is highly conserved in available vertebrate species. In addition, the in silico prediction for this alteration is inconclusive. Based on the available evidence, the clinical significance of this variant remains unclear.

Labcorp Genetics (formerly Invitae), Labcorp
Classification: Uncertain significance. Last evaluated: 2025-11-10. Review status: criteria provided, single submitter. Criteria: Invitae Variant Classification Sherloc (09022015). Collection method: clinical testing. Allele origin: germline.
Comment: This sequence change replaces aspartic acid, which is acidic and polar, with glutamic acid, which is acidic and polar, at codon 1354 of the POLE protein (p.Asp1354Glu). This variant is present in population databases (no rsID available, gnomAD 0.007%). This variant has not been reported in the literature in individuals affected with POLE-related conditions. ClinVar contains an entry for this variant (Variation ID: 540715). Invitae Evidence Modeling of protein sequence and biophysical properties (such as structural, functional, and spatial information, amino acid conservation, physicochemical variation, residue mobility, and thermodynamic stability) indicates that this missense variant is not expected to disrupt POLE protein function with a negative predictive value of 80%. In summary, the available evidence is currently insufficient to determine the role of this variant in disease. Therefore, it has been classified as a Variant of Uncertain Significance.

Mayo Clinic Laboratories, Mayo Clinic
Classification: Uncertain significance. Last evaluated: 2024-07-15. Review status: criteria provided, single submitter. Criteria: ACMG Guidelines, 2015. Collection method: clinical testing. Allele origin: germline. Observed: 1 variant allele.
Comment: BP4, PM2